The following is an entry in ClinVar:

ClinVar aggregate classification (germline): Likely benign. Review status: criteria provided, single submitter (1 of 4 stars). 2 submissions from 2 submitters: Likely benign (1). 1 of the submissions does not count toward it. Last evaluated 2025-06-09.

Conditions:
TBX3-related disorder. Also called: TBX3-related condition.
Ulnar-mammary syndrome (UMS). Also called: PALLISTER ULNAR-MAMMARY SYNDROME; SCHINZEL SYNDROME; Ulnar-mammary syndrome of Pallister. Identifiers: Orphanet 3138, MedGen C1866994, MONDO:0008411, OMIM 181450.

Allele frequency attached by ClinVar (database versions not stated): ExAC 0.00001; TOPMed 0.00003; gnomAD 0.00004; gnomAD exomes 0.00004; ESP Exome Variant Server 0.00008.
gnomAD v4.1: 60 of 1,614,040 alleles (0.0037%); highest among the groups gnomAD compares: Non-Finnish European, 0.0048%; no homozygotes.

Submissions (2):

Labcorp Genetics (formerly Invitae), Labcorp
Classification: Likely benign for Ulnar-mammary syndrome. Last evaluated: 2025-06-09. Review status: criteria provided, single submitter. Criteria: Invitae Variant Classification Sherloc (09022015). Collection method: clinical testing. Allele origin: germline.

PreventionGenetics, part of Exact Sciences
Classification: Likely benign for TBX3-related condition. Last evaluated: 2022-04-27. Review status: no assertion criteria provided. Collection method: clinical testing. Allele origin: germline. Not counted in ClinVar's aggregate classification.
Comment: This variant is classified as likely benign based on ACMG/AMP sequence variant interpretation guidelines (Richards et al. 2015 PMID: 25741868, with internal and published modifications).

NM_005996.4(TBX3):c.870A>C (p.Arg290=)

Gene: TBX3 (T-box transcription factor 3; minus strand). Cytogenetic location: 12q24.21.
Variant type: single nucleotide variant.
Coding change: c.870A>C on transcript NM_005996.4 (MANE Select); coding-DNA position 870, A replaced by C.
Protein change: p.Arg290=; no amino-acid change (arginine 290 retained).
Molecular consequence: synonymous variant.
Genome position (GRCh38, 1-based): chr12:114,677,591, T>G on the plus strand (A>C on the coding strand, the complement: TBX3 is on the minus strand). VCF-style: chr12-114677591-T-G. GRCh37 (hg19) VCF-style: chr12-115115396-T-G.
Other names: c.930A>C (NM_016569.3); c.930A>C, p.Arg310= (NM_016569.4).
Identifiers: ClinVar variation 2699192 (VCV002699192.5), dbSNP rs369944278, ClinGen allele CA6810074.